The following is an entry in ClinVar:

NM_004104.5(FASN):c.4905T>G (p.Asp1635Glu)

Gene: FASN (fatty acid synthase; minus strand). Cytogenetic location: 17q25.3.
Variant type: single nucleotide variant.
Coding change: c.4905T>G on transcript NM_004104.5 (MANE Select); coding-DNA position 4905, T replaced by G.
Protein change: p.Asp1635Glu; replaces aspartic acid 1635 with glutamic acid.
Molecular consequence: missense variant.
Genome position (GRCh38, 1-based): chr17:82,084,248, A>C on the plus strand (T>G on the coding strand, the complement: FASN is on the minus strand). VCF-style: chr17-82084248-A-C. GRCh37 (hg19) VCF-style: chr17-80042124-A-C.
Other names: short protein forms D1635E.
Identifiers: ClinVar variation 2700229 (VCV002700229.3), dbSNP rs2509832904, ClinGen allele CA401543098.

ClinVar aggregate classification (germline): Uncertain significance (1 of 4 stars; one submission).

Conditions:
Epileptic encephalopathy. Identifiers: MedGen C0543888, HP:0200134.

Submission:

Labcorp Genetics (formerly Invitae), Labcorp
Classification: Uncertain significance for Epileptic encephalopathy. Last evaluated: 2023-12-01. Review status: criteria provided, single submitter. Criteria: Invitae Variant Classification Sherloc (09022015). Collection method: clinical testing. Allele origin: germline.
Comment: This sequence change replaces aspartic acid, which is acidic and polar, with glutamic acid, which is acidic and polar, at codon 1635 of the FASN protein (p.Asp1635Glu). This variant is not present in population databases (gnomAD no frequency). This variant has not been reported in the literature in individuals affected with FASN-related conditions. Algorithms developed to predict the effect of missense changes on protein structure and function output the following: SIFT: "Not Available"; PolyPhen-2: "Benign"; Align-GVGD: "Not Available". The glutamic acid amino acid residue is found in multiple mammalian species, which suggests that this missense change does not adversely affect protein function. In summary, the available evidence is currently insufficient to determine the role of this variant in disease. Therefore, it has been classified as a Variant of Uncertain Significance.